The following is an entry in ClinVar:

NM_001134831.2(AHI1):c.1607G>A (p.Gly536Glu)

Gene: AHI1 (Abelson helper integration site 1; minus strand). Cytogenetic location: 6q23.3.
Variant type: single nucleotide variant.
Coding change: c.1607G>A on transcript NM_001134831.2 (MANE Select); coding-DNA position 1607, G replaced by A.
Protein change: p.Gly536Glu; replaces glycine 536 with glutamic acid.
Molecular consequence: missense variant.
Genome position (GRCh38, 1-based): chr6:135,448,309, C>T on the plus strand (G>A on the coding strand, the complement: AHI1 is on the minus strand). VCF-style: chr6-135448309-C-T. GRCh37 (hg19) VCF-style: chr6-135769447-C-T.
Other names: c.1607G>A, p.Gly536Glu (NM_001134830.2, NM_001134832.2, NM_001350503.2 and 2 more transcripts); short protein forms G536E.
Identifiers: ClinVar variation 1367019 (VCV001367019.5), dbSNP rs1389750653, ClinGen allele CA365745096.

ClinVar aggregate classification (germline): Uncertain significance (1 of 4 stars; one submission).

Conditions:
Joubert syndrome. Also called: CEREBELLOPARENCHYMAL DISORDER IV; JOUBERT-BOLTSHAUSER SYNDROME; Familial aplasia of the vermis. Identifiers: Orphanet 475, MedGen C5979921, MONDO:0018772.

Allele frequency attached by ClinVar (database versions not stated): gnomAD exomes below 0.00001 and 0.00001.
gnomAD v4.1: 3 of 1,593,182 alleles (0.00019%); highest among the groups gnomAD compares: Admixed American, 0.0017%; no homozygotes.

Submission:

Labcorp Genetics (formerly Invitae), Labcorp
Classification: Uncertain significance for Joubert syndrome. Last evaluated: 2022-09-06. Review status: criteria provided, single submitter. Criteria: Invitae Variant Classification Sherloc (09022015). Collection method: clinical testing. Allele origin: germline.
Comment: This sequence change replaces glycine, which is neutral and non-polar, with glutamic acid, which is acidic and polar, at codon 536 of the AHI1 protein (p.Gly536Glu). This variant is present in population databases (no rsID available, gnomAD 0.007%). This variant has not been reported in the literature in individuals affected with AHI1-related conditions. ClinVar contains an entry for this variant (Variation ID: 1367019). Advanced modeling of protein sequence and biophysical properties (such as structural, functional, and spatial information, amino acid conservation, physicochemical variation, residue mobility, and thermodynamic stability) performed at Invitae indicates that this missense variant is expected to disrupt AHI1 protein function. In summary, the available evidence is currently insufficient to determine the role of this variant in disease. Therefore, it has been classified as a Variant of Uncertain Significance.